The following is an entry in ClinVar:

ClinVar aggregate classification (germline): Benign. Review status: criteria provided, multiple submitters, no conflicts (2 of 4 stars). 3 submissions from 2 submitters: Benign (3). Last evaluated 2018-01-13.

Conditions:
Lethal multiple pterygium syndrome (LMPS). Identifiers: Orphanet 33108, MedGen C1854678, MONDO:0009668, OMIM 253290.
Autosomal recessive multiple pterygium syndrome. Also called: PTERYGIUM COLLI SYNDROME; PTERYGIUM SYNDROME; PTERYGIUM UNIVERSALE; MULTIPLE PTERYGIUM SYNDROME, ESCOBAR VARIANT. Identifiers: Orphanet 2990, MedGen C0265261, MONDO:0009926, OMIM 265000.

Allele frequency attached by ClinVar (database versions not stated): 1000 Genomes Project 30x 0.15428; 1000 Genomes Project 0.15515; TOPMed 0.17667; gnomAD 0.18562 and 0.18588; gnomAD exomes 0.24238.
gnomAD v4.1: 28,229 of 150,740 alleles (19%); highest among the groups gnomAD compares: Middle Eastern, 27%; 2,896 homozygotes.

Submissions (3):

Illumina Laboratory Services, Illumina
Classification: Benign for Autosomal recessive multiple pterygium syndrome. Last evaluated: 2018-01-13. Review status: criteria provided, single submitter. Criteria: ICSL Variant Classification Criteria 13 December 2019. Collection method: clinical testing. Allele origin: germline.
Comment: This variant was observed in the ICSL laboratory as part of a predisposition screen in an ostensibly healthy population. It had not been previously curated by ICSL or reported in the Human Gene Mutation Database (HGMD: prior to June 1st, 2018), and was therefore a candidate for classification through an automated scoring system. Utilizing variant allele frequency, disease prevalence and penetrance estimates, and inheritance mode, an automated score was calculated to assess if this variant is too frequent to cause the disease. Based on the score and internal cut-off values, a variant classified as benign is not then subjected to further curation. The score for this variant resulted in a classification of benign for this disease.

Illumina Laboratory Services, Illumina
Classification: Benign for Lethal multiple pterygium syndrome. Last evaluated: 2018-01-13. Review status: criteria provided, single submitter. Criteria: ICSL Variant Classification Criteria 13 December 2019. Collection method: clinical testing. Allele origin: germline.
Comment: the same text as in the submission from Illumina Laboratory Services, Illumina above.

Breakthrough Genomics
Classification: Benign. Review status: criteria provided, single submitter. Criteria: ACMG Guidelines, 2015. Collection method: not provided. Allele origin: germline. Inheritance: Autosomal recessive inheritance. Affected: yes.

NM_005199.5(CHRNG):c.*568C>T

Genes: TIGD1 (tigger transposable element derived 1; minus strand), CHRNG (cholinergic receptor nicotinic gamma subunit; plus strand). Cytogenetic location: 2q37.1.
Variant type: single nucleotide variant.
Coding change: c.*568C>T on transcript NM_005199.5 (MANE Select); 568 bases downstream of the stop codon, C replaced by T.
Molecular consequence: 3 prime UTR variant.
Genome position (GRCh38, 1-based): chr2:232,546,284, C>T. VCF-style: chr2-232546284-C-T. GRCh37 (hg19) VCF-style: chr2-233410994-C-T.
Identifiers: ClinVar variation 335023 (VCV000335023.6), dbSNP rs72991939, ClinGen allele CA10614856.